The following is an entry in ClinVar:

ClinVar aggregate classification (germline): Uncertain significance. Review status: criteria provided, multiple submitters, no conflicts (2 of 4 stars). 2 submissions from 2 submitters: Uncertain significance (2). Last evaluated 2025-06-02.

Conditions:
ANKRD11-related disorder. Also called: ANKRD11-related condition.
KBG syndrome (KBGS). Also called: ANKRD11-Related KBG Syndrome. Identifiers: Orphanet 2332, MedGen C0220687, MONDO:0007846, OMIM 148050.

Allele frequency attached by ClinVar (database versions not stated): gnomAD exomes 0.00001; TOPMed 0.00002; gnomAD 0.00004.
gnomAD v4.1: 26 of 1,614,038 alleles (0.0016%); highest among the groups gnomAD compares: Non-Finnish European, 0.0022%; no homozygotes.

Submissions (2):

Labcorp Genetics (formerly Invitae), Labcorp
Classification: Uncertain significance for KBG syndrome. Last evaluated: 2025-06-02. Review status: criteria provided, single submitter. Criteria: Invitae Variant Classification Sherloc (09022015). Collection method: clinical testing. Allele origin: germline.
Comment: This sequence change replaces aspartic acid, which is acidic and polar, with glycine, which is neutral and non-polar, at codon 1379 of the ANKRD11 protein (p.Asp1379Gly). This variant is present in population databases (no rsID available, gnomAD 0.002%). This variant has not been reported in the literature in individuals affected with ANKRD11-related conditions. ClinVar contains an entry for this variant (Variation ID: 2146235). Invitae Evidence Modeling of protein sequence and biophysical properties (such as structural, functional, and spatial information, amino acid conservation, physicochemical variation, residue mobility, and thermodynamic stability) indicates that this missense variant is not expected to disrupt ANKRD11 protein function with a negative predictive value of 95%. In summary, the available evidence is currently insufficient to determine the role of this variant in disease. Therefore, it has been classified as a Variant of Uncertain Significance.

PreventionGenetics, part of Exact Sciences
Classification: Uncertain significance for ANKRD11-related condition. Last evaluated: 2022-08-24. Review status: criteria provided, single submitter. Criteria: ACMG Guidelines, 2015. Collection method: clinical testing. Allele origin: germline.
Comment: The ANKRD11 c.4136A>G variant is predicted to result in the amino acid substitution p.Asp1379Gly. To our knowledge, this variant has not been reported in the literature. This variant is reported in 0.0018% of alleles in individuals of European (Non-Finnish) descent in gnomAD. At this time, the clinical significance of this variant is uncertain due to the absence of conclusive functional and genetic evidence.

NM_013275.6(ANKRD11):c.4136A>G (p.Asp1379Gly)

Gene: ANKRD11 (ankyrin repeat domain 11; minus strand). Cytogenetic location: 16q24.3.
Variant type: single nucleotide variant.
Coding change: c.4136A>G on transcript NM_013275.6 (MANE Select); coding-DNA position 4136, A replaced by G.
Protein change: p.Asp1379Gly; replaces aspartic acid 1379 with glycine.
Molecular consequence: missense variant.
Genome position (GRCh38, 1-based): chr16:89,282,406, T>C on the plus strand (A>G on the coding strand, the complement: ANKRD11 is on the minus strand). VCF-style: chr16-89282406-T-C. GRCh37 (hg19) VCF-style: chr16-89348814-T-C.
Other names: c.4136A>G, p.Asp1379Gly (NM_001256182.2, NM_001256183.2); c.4136A>G (NM_013275.5); short protein forms D1379G.
Identifiers: ClinVar variation 2146235 (VCV002146235.5), dbSNP rs1332796115, ClinGen allele CA397158231.